The following is an entry in ClinVar:

NM_000719.7(CACNA1C):c.4472C>G (p.Pro1491Arg)

Gene: CACNA1C (calcium voltage-gated channel subunit alpha1 C; plus strand). Cytogenetic location: 12p13.33.
Variant type: single nucleotide variant.
Coding change: c.4472C>G on transcript NM_000719.7 (MANE Select); coding-DNA position 4472, C replaced by G.
Protein change: p.Pro1491Arg; replaces proline 1491 with arginine.
Molecular consequence: missense variant.
Genome position (GRCh38, 1-based): chr12:2,665,654, C>G. VCF-style: chr12-2665654-C-G. GRCh37 (hg19) VCF-style: chr12-2774820-C-G.
Other names: c.4616C>G, p.Pro1539Arg (NM_001129827.2, NM_199460.4); c.4538C>G, p.Pro1513Arg (NM_001129829.2); c.4472C>G, p.Pro1491Arg (NM_001129830.3, NM_001129833.2, NM_001129834.2 and 7 more transcripts); c.4556C>G, p.Pro1519Arg (NM_001129831.2); c.4532C>G, p.Pro1511Arg (NM_001129832.2); c.4523C>G, p.Pro1508Arg (NM_001129836.2); c.4439C>G, p.Pro1480Arg (NM_001129837.2, NM_001129838.2, NM_001129846.2 and 1 more transcripts); c.4433C>G, p.Pro1478Arg (NM_001129839.2); and 1 more; short protein forms P1478R, P1480R, P1488R, P1491R, P1508R, P1511R, P1513R, P1519R.
Identifiers: ClinVar variation 4823280 (VCV004823280.4).

ClinVar aggregate classification (germline): Uncertain significance (1 of 4 stars; one submission).

Submission:

CeGaT Center for Human Genetics Tuebingen
Classification: Uncertain significance. Last evaluated: 2026-04-01. Review status: criteria provided, single submitter. Criteria: CeGaT Center For Human Genetics Tuebingen Variant Classification Criteria Version 2. Collection method: clinical testing. Allele origin: germline. Affected: yes. Observed: 2 variant alleles.
Comment: CACNA1C: PM2, PP2, PP3